The following is an entry in ClinVar:

ClinVar aggregate classification (germline): Uncertain significance. Review status: criteria provided, multiple submitters, no conflicts (2 of 4 stars). 2 submissions from 2 submitters: Uncertain significance (2). Last evaluated 2025-11-24.

Allele frequency attached by ClinVar (database versions not stated): ExAC 0.00002.

Submissions (2):

Ambry Genetics
Classification: Uncertain significance. Last evaluated: 2025-11-24. Review status: criteria provided, single submitter. Criteria: Ambry Variant Classification Scheme 2023. Collection method: clinical testing. Allele origin: germline.

Labcorp Genetics (formerly Invitae), Labcorp
Classification: Uncertain significance. Last evaluated: 2024-08-29. Review status: criteria provided, single submitter. Criteria: Invitae Variant Classification Sherloc (09022015). Collection method: clinical testing. Allele origin: germline.
Comment: This sequence change replaces arginine, which is basic and polar, with leucine, which is neutral and non-polar, at codon 70 of the STAT4 protein (p.Arg70Leu). This variant is present in population databases (rs751076320, gnomAD 0.006%). This variant has not been reported in the literature in individuals affected with STAT4-related conditions. ClinVar contains an entry for this variant (Variation ID: 1905046). Invitae Evidence Modeling of protein sequence and biophysical properties (such as structural, functional, and spatial information, amino acid conservation, physicochemical variation, residue mobility, and thermodynamic stability) indicates that this missense variant is not expected to disrupt STAT4 protein function with a negative predictive value of 80%. In summary, the available evidence is currently insufficient to determine the role of this variant in disease. Therefore, it has been classified as a Variant of Uncertain Significance.

NM_003151.4(STAT4):c.209G>T (p.Arg70Leu)

Gene: STAT4 (signal transducer and activator of transcription 4; minus strand). Cytogenetic location: 2q32.3.
Variant type: single nucleotide variant.
Coding change: c.209G>T on transcript NM_003151.4 (MANE Select); coding-DNA position 209, G replaced by T.
Protein change: p.Arg70Leu; replaces arginine 70 with leucine.
Molecular consequence: missense variant.
Genome position (GRCh38, 1-based): chr2:191,146,677, C>A on the plus strand (G>T on the coding strand, the complement: STAT4 is on the minus strand). VCF-style: chr2-191146677-C-A. GRCh37 (hg19) VCF-style: chr2-192011403-C-A.
Other names: c.209G>T, p.Arg70Leu (NM_001243835.2); c.209G>T (NM_003151.3); short protein forms R70L.
Identifiers: ClinVar variation 1905046 (VCV001905046.6), dbSNP rs751076320, ClinGen allele CA2030971.